The following is an entry in ClinVar:

NM_004304.5(ALK):c.3186G>A (p.Lys1062=)

Gene: ALK (ALK receptor tyrosine kinase; minus strand). Cytogenetic location: 2p23.2.
Variant type: single nucleotide variant.
Coding change: c.3186G>A on transcript NM_004304.5 (MANE Select); coding-DNA position 3186, G replaced by A.
Protein change: p.Lys1062=; no amino-acid change (lysine 1062 retained).
Molecular consequence: synonymous variant. On other transcripts: 5 prime UTR variant (1).
Genome position (GRCh38, 1-based): chr2:29,223,515, C>T on the plus strand (G>A on the coding strand, the complement: ALK is on the minus strand). VCF-style: chr2-29223515-C-T. GRCh37 (hg19) VCF-style: chr2-29446381-C-T.
Other names: c.-19G>A (NM_001353765.2).
Identifiers: ClinVar variation 703280 (VCV000703280.11), dbSNP rs1374146241, ClinGen allele CA425435208.
Genomic context (GRCh38, chr2:29,223,515, plus strand): 5'-CTTGCTCAGCTTGTACTCAGGGCTCTGCAGCTCCATCTGCATGGCTTGCAGCTCCTGGTG[C>T]TTCCGGCGGTACACTGCAGGTGGGTGGTCAGCTGCAACATGGCCTGGCAGCCTGGCCCTT-3'
Protein context (NP_004295.2, residues 1052-1072): FSGIMIVYRR[Lys1062=]HQELQAMQME

ClinVar aggregate classification (germline): Conflicting classifications of pathogenicity. Review status: criteria provided, conflicting classifications (1 of 4 stars). 2 submissions from 2 submitters: Uncertain significance (1); Likely benign (1). Last evaluated 2026-01-27.

Conditions:
Hereditary cancer-predisposing syndrome. Also called: Tumor predisposition; Hereditary neoplastic syndrome; Neoplastic Syndromes, Hereditary; Hereditary Cancer Syndrome. Identifiers: Orphanet 140162, MedGen C0027672, MeSH D009386, MONDO:0015356.
Neuroblastoma, susceptibility to, 3. Also called: ALK-Related Neuroblastic Tumor Susceptibility. Identifiers: Orphanet 635, MedGen C2751681, MONDO:0013083, OMIM 613014.

Allele frequency attached by ClinVar (database versions not stated): gnomAD exomes below 0.00001 and 0.00001; gnomAD 0.00001; TOPMed 0.00002.
gnomAD v4.1: 7 of 1,613,760 alleles (0.00043%); highest among the groups gnomAD compares: African/African-American, 0.008%; no homozygotes.

Submissions (2):

Labcorp Genetics (formerly Invitae), Labcorp
Classification: Likely benign for Neuroblastoma, susceptibility to, 3. Last evaluated: 2026-01-27. Review status: criteria provided, single submitter. Criteria: Invitae Variant Classification Sherloc (09022015). Collection method: clinical testing. Allele origin: germline.

Ambry Genetics
Classification: Uncertain significance for Hereditary cancer-predisposing syndrome. Last evaluated: 2024-12-09. Review status: criteria provided, single submitter. Criteria: Ambry Variant Classification Scheme 2023. Collection method: clinical testing. Allele origin: germline.
Comment: The c.3186G>A variant (also known as p.K1062K), located in coding exon 20 of the ALK gene, results from a G to A substitution at nucleotide position 3186. This nucleotide substitution does not change the lysine at codon 1062. This nucleotide position is not well conserved in available vertebrate species. In silico splice site analysis predicts that this alteration may result in the creation or strengthening of a novel splice acceptor site. Based on the available evidence, the clinical significance of this variant remains unclear.